The following is an entry in ClinVar:

ClinVar aggregate classification (germline): Uncertain significance (1 of 4 stars; one submission).

Conditions:
Inborn genetic diseases. Identifiers: MedGen C0950123, MeSH D030342.

Submission:

Ambry Genetics
Classification: Uncertain significance for Inborn genetic diseases. Last evaluated: 2025-05-20. Review status: criteria provided, single submitter. Criteria: Ambry Variant Classification Scheme 2023. Collection method: clinical testing. Allele origin: germline.
Comment: The p.P96L variant (also known as c.287C>T), located in coding exon 1 of the SH2B3 gene, results from a C to T substitution at nucleotide position 287. The proline at codon 96 is replaced by leucine, an amino acid with similar properties. This amino acid position is conserved. In addition, this alteration is predicted to be tolerated by in silico analysis. Based on the available evidence, the clinical significance of this variant remains unclear.

NM_005475.3(SH2B3):c.287C>T (p.Pro96Leu)

Gene: SH2B3 (SH2B adaptor protein 3; plus strand). Cytogenetic location: 12q24.12.
Variant type: single nucleotide variant.
Coding change: c.287C>T on transcript NM_005475.3 (MANE Select); coding-DNA position 287, C replaced by T.
Protein change: p.Pro96Leu; replaces proline 96 with leucine.
Molecular consequence: missense variant.
Genome position (GRCh38, 1-based): chr12:111,418,432, C>T. VCF-style: chr12-111418432-C-T. GRCh37 (hg19) VCF-style: chr12-111856236-C-T.
Other names: short protein forms P96L.
Identifiers: ClinVar variation 3953510 (VCV003953510.1).